The following is an entry in ClinVar:

NM_198253.3(TERT):c.719G>A (p.Arg240His)

Gene: TERT (telomerase reverse transcriptase; minus strand). Cytogenetic location: 5p15.33.
Variant type: single nucleotide variant.
Coding change: c.719G>A on transcript NM_198253.3 (MANE Select); coding-DNA position 719, G replaced by A.
Protein change: p.Arg240His; replaces arginine 240 with histidine.
Molecular consequence: missense variant. On other transcripts: non-coding transcript variant (2).
Genome position (GRCh38, 1-based): chr5:1,294,167, C>T on the plus strand (G>A on the coding strand, the complement: TERT is on the minus strand). VCF-style: chr5-1294167-C-T. GRCh37 (hg19) VCF-style: chr5-1294282-C-T.
Other names: c.719G>A, p.Arg240His (NM_001193376.3); short protein forms R240H.
Identifiers: ClinVar variation 661042 (VCV000661042.13), dbSNP rs751231538, ClinGen allele CA3184926.

ClinVar aggregate classification (germline): Conflicting classifications of pathogenicity. Review status: criteria provided, conflicting classifications (1 of 4 stars). 3 submissions from 3 submitters: Uncertain significance (1); Likely benign (2). Last evaluated 2026-01-26.

Conditions:
Dyskeratosis congenita, autosomal dominant 2. Identifiers: MedGen C3151443, MONDO:0013521, OMIM 613989.
Idiopathic Pulmonary Fibrosis. Also called: Idiopathic fibrosing alveolitis, chronic form; idiopathic fibrosing alveolitis. Identifiers: Orphanet 2032, MedGen C1800706, MeSH D054990, MONDO:0800504.
Dyskeratosis congenita. Identifiers: Orphanet 1775, MedGen C0265965, MONDO:0015780.

Allele frequency attached by ClinVar (database versions not stated): TOPMed below 0.00001; gnomAD 0.00001; ExAC 0.00012.
gnomAD v4.1: 23 of 1,581,342 alleles (0.0015%); highest among the groups gnomAD compares: East Asian, 0.049%; no homozygotes.

Submissions (3):

Labcorp Genetics (formerly Invitae), Labcorp
Classification: Likely benign for Dyskeratosis congenita, autosomal dominant 2; Idiopathic Pulmonary Fibrosis. Last evaluated: 2026-01-26. Review status: criteria provided, single submitter. Criteria: Invitae Variant Classification Sherloc (09022015). Collection method: clinical testing. Allele origin: germline.

Ambry Genetics
Classification: Uncertain significance for Dyskeratosis congenita. Last evaluated: 2025-02-25. Review status: criteria provided, single submitter. Criteria: Ambry Variant Classification Scheme 2023. Collection method: clinical testing. Allele origin: germline.
Comment: The p.R240H variant (also known as c.719G>A), located in coding exon 2 of the TERT gene, results from a G to A substitution at nucleotide position 719. The arginine at codon 240 is replaced by histidine, an amino acid with highly similar properties. This amino acid position is conserved. In addition, this alteration is predicted to be tolerated by in silico analysis. Since supporting evidence is limited at this time, the clinical significance of this alteration remains unclear.

Blueprint Genetics
Classification: Likely benign. Last evaluated: 2022-06-02. Review status: criteria provided, single submitter. Criteria: ACMG Guidelines, 2015. Collection method: clinical testing. Allele origin: germline.